The following is an entry in ClinVar:

ClinVar aggregate classification (germline): Likely benign. Review status: criteria provided, multiple submitters, no conflicts (2 of 4 stars). 2 submissions from 2 submitters: Likely benign (2). Last evaluated 2026-09-01.

Allele frequency attached by ClinVar (database versions not stated): ExAC 0.00014; 1000 Genomes Project 30x 0.00953.

Submissions (2):

CeGaT Center for Human Genetics Tuebingen
Classification: Likely benign. Last evaluated: 2026-09-01. Review status: criteria provided, single submitter. Criteria: CeGaT Center For Human Genetics Tuebingen Variant Classification Criteria Version 2. Collection method: clinical testing. Allele origin: germline. Affected: yes. Observed: 2 variant alleles.
Comment: NCF1: BP4, BP7, BS1

Blueprint Genetics
Classification: Likely benign. Last evaluated: 2024-10-28. Review status: criteria provided, single submitter. Criteria: ACMG Guidelines, 2015. Collection method: clinical testing. Allele origin: germline.

NM_000265.7(NCF1):c.387G>A (p.Thr129=)

Genes: NCF1 (neutrophil cytosolic factor 1; plus strand), LOC106029312 (Williams-Beuren syndrome medial block B recombination region; plus strand). Cytogenetic location: 7q11.23.
Variant type: single nucleotide variant.
Coding change: c.387G>A on transcript NM_000265.7 (MANE Select); coding-DNA position 387, G replaced by A.
Protein change: p.Thr129=; no amino-acid change (threonine 129 retained).
Molecular consequence: synonymous variant.
Genome position (GRCh38, 1-based): chr7:74,779,414, G>A. VCF-style: chr7-74779414-G-A. GRCh37 (hg19) VCF-style: chr7-74193760-G-A.
Identifiers: ClinVar variation 3067226 (VCV003067226.22), dbSNP rs782074398, ClinGen allele CA4298126.